The following is an entry in ClinVar:

NM_000987.5(RPL26):c.58A>G (p.Asn20Asp)

Gene: RPL26 (ribosomal protein L26; minus strand). Cytogenetic location: 17p13.1.
Variant type: single nucleotide variant.
Coding change: c.58A>G on transcript NM_000987.5 (MANE Select); coding-DNA position 58, A replaced by G.
Protein change: p.Asn20Asp; replaces asparagine 20 with aspartic acid.
Molecular consequence: missense variant.
Genome position (GRCh38, 1-based): chr17:8,382,253, T>C on the plus strand (A>G on the coding strand, the complement: RPL26 is on the minus strand). VCF-style: chr17-8382253-T-C. GRCh37 (hg19) VCF-style: chr17-8285571-T-C.
Other names: c.58A>G, p.Asn20Asp (NM_001315530.2, NM_001315531.2); short protein forms N20D.
Identifiers: ClinVar variation 2199705 (VCV002199705.4), dbSNP rs2544009294, ClinGen allele CA398017602.

ClinVar aggregate classification (germline): Uncertain significance (1 of 4 stars; one submission).

Conditions:
Diamond-Blackfan anemia. Also called: Blackfan Diamond syndrome; Aregenerative anemia chronic congenital; Red cell aplasia, pure hereditary; Congenital hypoplastic anemia; Aase syndrome. Identifiers: Orphanet 124, MedGen C1260899, MeSH D029503, MONDO:0015253, HP:0004810.

Allele frequency attached by ClinVar (database versions not stated): gnomAD exomes below 0.00001.
gnomAD v4.1: 2 of 1,613,846 alleles (0.00012%); highest among the groups gnomAD compares: Non-Finnish European, 0.000085%; no homozygotes.

Submission:

Labcorp Genetics (formerly Invitae), Labcorp
Classification: Uncertain significance for Diamond-Blackfan anemia. Last evaluated: 2022-11-09. Review status: criteria provided, single submitter. Criteria: Invitae Variant Classification Sherloc (09022015). Collection method: clinical testing. Allele origin: germline.
Comment: This variant is not present in population databases (gnomAD no frequency). In summary, the available evidence is currently insufficient to determine the role of this variant in disease. Therefore, it has been classified as a Variant of Uncertain Significance. Algorithms developed to predict the effect of missense changes on protein structure and function (SIFT, PolyPhen-2, Align-GVGD) all suggest that this variant is likely to be tolerated. This variant has not been reported in the literature in individuals affected with RPL26-related conditions. This sequence change replaces asparagine, which is neutral and polar, with aspartic acid, which is acidic and polar, at codon 20 of the RPL26 protein (p.Asn20Asp).